The following is an entry in ClinVar:

NM_001267550.2(TTN):c.92298G>A (p.Trp30766Ter)

Genes: TTN (titin; minus strand), TTN-AS1 (TTN antisense RNA 1; plus strand). Cytogenetic location: 2q31.2.
Variant type: single nucleotide variant.
Coding change: c.92298G>A on transcript NM_001267550.2 (MANE Select); coding-DNA position 92298, G replaced by A.
Protein change: p.Trp30766Ter; replaces tryptophan 30766 with a stop codon.
Molecular consequence: nonsense.
Genome position (GRCh38, 1-based): chr2:178,549,328, C>T on the plus strand (G>A on the coding strand, the complement: TTN is on the minus strand). VCF-style: chr2-178549328-C-T. GRCh37 (hg19) VCF-style: chr2-179414055-C-T.
Other names: c.87375G>A, p.Trp29125Ter (NM_001256850.1); c.65103G>A, p.Trp21701Ter (NM_003319.4); c.84594G>A, p.Trp28198Ter (NM_133378.4); c.65478G>A, p.Trp21826Ter (NM_133432.3); c.65679G>A, p.Trp21893Ter (NM_133437.4); short protein forms W21826*, W29125*, W30766*, W21701*, W21893*, W28198*.
Identifiers: ClinVar variation 2451926 (VCV002451926.6), dbSNP rs2469158014, ClinGen allele CA349493768.
Genomic context (GRCh38, chr2:178,549,328, plus strand): 5'-TGTCAGACCAGTGACTTTGAATCTTGTTTCAGAGATTGGTCGTTTGCTGATCACTTTTAC[C>T]CATCTTGTGCTTTTCTTTTCTCTTCTTTCAAGGATATACTGTTGAATTTCACTGCCACCA-3'

ClinVar aggregate classification (germline): Pathogenic/Likely pathogenic. Review status: criteria provided, multiple submitters, no conflicts (2 of 4 stars). 3 submissions from 3 submitters: Pathogenic (1); Likely pathogenic (2). Last evaluated 2025-12-18.

Conditions:
Autosomal recessive limb-girdle muscular dystrophy type 2J (LGMDR10). Also called: MUSCULAR DYSTROPHY, LIMB-GIRDLE, AUTOSOMAL RECESSIVE 10; Limb-girdle muscular dystrophy, type 2J. Identifiers: Orphanet 140922, MedGen C1837342, MONDO:0012127, OMIM 608807.
Early-onset myopathy with fatal cardiomyopathy (CMYO5). Also called: CONGENITAL MYOPATHY 5 WITH CARDIOMYOPATHY; Salih Myopathy. Identifiers: Orphanet 289377, MedGen C2673677, MONDO:0012714, OMIM 611705. Disease mechanism: loss of function.
Dilated cardiomyopathy 1G (CMD1G). Identifiers: Orphanet 154, MedGen C1858763, MONDO:0011400, OMIM 604145.
Cardiovascular phenotype. Identifiers: MedGen CN230736.

Submissions (3):

Institute of Immunology and Genetics Kaiserslautern
Classification: Pathogenic for Early-onset myopathy with fatal cardiomyopathy; Autosomal recessive limb-girdle muscular dystrophy type 2J. Last evaluated: 2025-12-18. Review status: criteria provided, single submitter. Criteria: ACMG Guidelines, 2015. Collection method: clinical testing. Allele origin: maternal. Affected: yes.
Comment: ACMG Criteria: PVS1, PS4_P, PM2, PP1; Variant was found in heterozygous state. Variant was forund in compound heterozygous state with TTN(NM_001267550.2):c.68825-2A>G,Intron 323,p.?.

Labcorp Genetics (formerly Invitae), Labcorp
Classification: Likely pathogenic for Dilated cardiomyopathy 1G; Autosomal recessive limb-girdle muscular dystrophy type 2J. Last evaluated: 2023-05-11. Review status: criteria provided, single submitter. Criteria: Invitae Variant Classification Sherloc (09022015). Collection method: clinical testing. Allele origin: germline.
Comment: ClinVar contains an entry for this variant (Variation ID: 2451926). This variant is located in the A band of TTN (PMID: 25589632). Truncating variants in this region are significantly overrepresented in patients affected with dilated cardiomyopathy (PMID: 25589632). Truncating variants in this region have also been reported in individuals affected with autosomal recessive centronuclear myopathy (PMID: 23975875). This variant is not present in population databases (gnomAD no frequency). This sequence change creates a premature translational stop signal (p.Trp30766*) in the TTN gene. While this is not anticipated to result in nonsense mediated decay, it is expected to create a truncated TTN protein. This premature translational stop signal has been observed in individual(s) with dilated cardiomyopathy (PMID: 32998006). In summary, the currently available evidence indicates that the variant is pathogenic, but additional data are needed to prove that conclusively. Therefore, this variant has been classified as Likely Pathogenic.

Ambry Genetics
Classification: Likely pathogenic for Cardiovascular phenotype. Last evaluated: 2023-02-23. Review status: criteria provided, single submitter. Criteria: Ambry Variant Classification Scheme 2023. Collection method: clinical testing. Allele origin: germline.
Comment: The p.W21701* variant (also known as c.65103G>A), located in coding exon 166 of the TTN gene, results from a G to A substitution at nucleotide position 65103. This changes the amino acid from a tryptophan to a stop codon within coding exon 166. This exon is located in the A-band region of the N2-B isoform of the titin protein and is constitutively expressed in TTN transcripts (percent spliced in or PSI 100%). This variant (referred to as c.92298G>A, p.Trp30766Ter) has been detected in a dilated cardiomyopathy (DCM) cohort; however, details were limited (Anderson JL et al. Am J Cardiol, 2020 Dec;137:97-102). This variant is considered to be rare based on population cohorts in the Genome Aggregation Database (gnomAD). This alteration is expected to result in loss of function by premature protein truncation or nonsense-mediated mRNA decay. While truncating variants in TTN are present in 1-3% of the general population, truncating variants in the A-band are the most common cause of DCM (Herman DS et al. N. Engl. J. Med., 2012 Feb;366:619-28; Roberts AM et al. Sci Transl Med, 2015 Jan;7:270ra6). TTN truncating variants encoded in constitutive exons (PSI >90%) have been found to be significantly associated with DCM regardless of their position in titin (Schafer S et al. Nat. Genet., 2017 01;49:46-53). Based on the majority of available evidence to date, this variant is likely to be pathogenic.

Literature cited by the submitters: PubMed 25589632 (cited by Labcorp Genetics (formerly Invitae), Labcorp); PubMed 23975875 (cited by Labcorp Genetics (formerly Invitae), Labcorp); PubMed 32998006 (cited by Labcorp Genetics (formerly Invitae), Labcorp and Ambry Genetics).